The following is an entry in ClinVar:

ClinVar aggregate classification (germline): Uncertain significance. Review status: criteria provided, multiple submitters, no conflicts (2 of 4 stars). 4 submissions from 4 submitters: Uncertain significance (4). Last evaluated 2024-09-12.

Conditions:
Cardiovascular phenotype. Identifiers: MedGen CN230736.
Arrhythmogenic right ventricular cardiomyopathy (ARVD). Also called: Cardiomyopathy, ARVC; Arrhythmogenic right ventricular dysplasia; Arrhythmogenic cardiomyopathy; Arrhythmogenic Right Ventricular Cardiomyopathy (ARVC). Identifiers: Orphanet 247, MedGen C0349788, MeSH D019571, MONDO:0016587. Disease mechanism: loss of function. Inheritance: Various modes of inheritance.
Arrhythmogenic right ventricular dysplasia 9 (ARVD9). Also called: Arrhythmogenic Right Ventricular Dysplasia/Cardiomyopathy 9; ARRHYTHMOGENIC RIGHT VENTRICULAR DYSPLASIA, FAMILIAL, 9. Identifiers: MedGen C1836906, MONDO:0012180, OMIM 609040.

gnomAD v4.1: 3 of 1,614,162 alleles (0.00019%); highest among the groups gnomAD compares: Non-Finnish European, 0.00025%; no homozygotes.

Submissions (4):

Labcorp Genetics (formerly Invitae), Labcorp
Classification: Uncertain significance for Arrhythmogenic right ventricular dysplasia 9. Last evaluated: 2024-09-12. Review status: criteria provided, single submitter. Criteria: Invitae Variant Classification Sherloc (09022015). Collection method: clinical testing. Allele origin: germline.
Comment: This sequence change replaces alanine, which is neutral and non-polar, with serine, which is neutral and polar, at codon 326 of the PKP2 protein (p.Ala326Ser). This variant is present in population databases (no rsID available, gnomAD 0.003%). This variant has not been reported in the literature in individuals affected with PKP2-related conditions. ClinVar contains an entry for this variant (Variation ID: 1895601). An algorithm developed to predict the effect of missense changes on protein structure and function (PolyPhen-2) suggests that this variant is likely to be disruptive. In summary, the available evidence is currently insufficient to determine the role of this variant in disease. Therefore, it has been classified as a Variant of Uncertain Significance.

Ambry Genetics
Classification: Uncertain significance for Cardiovascular phenotype. Last evaluated: 2024-06-07. Review status: criteria provided, single submitter. Criteria: Ambry Variant Classification Scheme 2023. Collection method: clinical testing. Allele origin: germline.
Comment: The p.A326S variant (also known as c.976G>T), located in coding exon 3 of the PKP2 gene, results from a G to T substitution at nucleotide position 976. The alanine at codon 326 is replaced by serine, an amino acid with similar properties. This amino acid position is well conserved in available vertebrate species. In addition, this alteration is predicted to be tolerated by in silico analysis. Based on the available evidence, the clinical significance of this variant remains unclear.

All of Us Research Program, National Institutes of Health
Classification: Uncertain significance for Arrhythmogenic right ventricular cardiomyopathy. Last evaluated: 2023-12-01. Review status: criteria provided, single submitter. Criteria: ACMG Guidelines, 2015. Collection method: clinical testing. Allele origin: germline. Inheritance: Autosomal dominant inheritance. Observed: 1 variant allele, 1 heterozygote.
Comment: This study involves interpretation of variants in research participants for the purpose of population health screening. Participant phenotype was not available at the time of variant classification. Additional details can be found in publication PMID: 35346344, PMCID: PMC8962531

GeneDx
Classification: Uncertain significance. Last evaluated: 2023-11-02. Review status: criteria provided, single submitter. Criteria: GeneDx Variant Classification Process June 2021. Collection method: clinical testing. Allele origin: germline. Affected: yes.
Comment: Has not been previously published as pathogenic or benign to our knowledge; Not observed at significant frequency in large population cohorts (gnomAD); In silico analysis supports that this missense variant does not alter protein structure/function

NM_001005242.3(PKP2):c.976G>T (p.Ala326Ser)

Gene: PKP2 (plakophilin 2; minus strand). Cytogenetic location: 12p11.21.
Variant type: single nucleotide variant.
Coding change: c.976G>T on transcript NM_001005242.3 (MANE Select); coding-DNA position 976, G replaced by T.
Protein change: p.Ala326Ser; replaces alanine 326 with serine.
Molecular consequence: missense variant.
Genome position (GRCh38, 1-based): chr12:32,877,904, C>A on the plus strand (G>T on the coding strand, the complement: PKP2 is on the minus strand). VCF-style: chr12-32877904-C-A. GRCh37 (hg19) VCF-style: chr12-33030838-C-A.
Other names: c.976G>T, p.Ala326Ser (NM_001407155.1, NM_001407156.1, NM_001407157.1 and 2 more transcripts); c.649G>T, p.Ala217Ser (NM_001407158.1, NM_001407159.1, NM_001407160.1 and 1 more transcripts); short protein forms A217S, A326S.
Identifiers: ClinVar variation 1895601 (VCV001895601.7), dbSNP rs148480056, ClinGen allele CA384361842.